The following is an entry in ClinVar:

ClinVar aggregate classification (germline): Likely benign. Review status: criteria provided, multiple submitters, no conflicts (2 of 4 stars). 2 submissions from 2 submitters: Likely benign (2). Last evaluated 2026-01-26.

Conditions:
RYR1-related disorder. Also called: RYR1-related condition; RYR1-related disorders. Identifiers: MedGen CN239331.
Malignant hyperthermia, susceptibility to, 1 (MHS1). Also called: Anesthesia related hyperthermia; Malignant hyperpyrexia; Fulminating hyperpyrexia; Pharmacogenic myopathy; RYR1-Related Malignant Hyperthermia Susceptibility; Malignant hyperthermia suceptibility 1. Identifiers: Orphanet 423, MedGen C2930980, MONDO:0007783, OMIM 145600.

Allele frequency attached by ClinVar (database versions not stated): gnomAD exomes below 0.00001 and 0.00001; TOPMed below 0.00001; ExAC 0.00001.
gnomAD v4.1: 6 of 1,614,170 alleles (0.00037%); highest among the groups gnomAD compares: Admixed American, 0.0033%; no homozygotes.

Submissions (2):

Labcorp Genetics (formerly Invitae), Labcorp
Classification: Likely benign for RYR1-related disorder. Last evaluated: 2026-01-26. Review status: criteria provided, single submitter. Criteria: Invitae Variant Classification Sherloc (09022015). Collection method: clinical testing. Allele origin: germline.

All of Us Research Program, National Institutes of Health
Classification: Likely benign for Malignant hyperthermia, susceptibility to, 1. Last evaluated: 2023-06-26. Review status: criteria provided, single submitter. Criteria: ACMG Guidelines, 2015. Collection method: clinical testing. Allele origin: germline. Inheritance: Autosomal dominant inheritance. Observed: 1 variant allele, 1 heterozygote.
Comment: This study involves interpretation of variants in research participants for the purpose of population health screening. Participant phenotype was not available at the time of variant classification. Additional details can be found in publication PMID: 35346344, PMCID: PMC8962531

NM_000540.3(RYR1):c.3348T>C (p.Ala1116=)

Gene: RYR1 (ryanodine receptor 1; plus strand). Cytogenetic location: 19q13.2.
Variant type: single nucleotide variant.
Coding change: c.3348T>C on transcript NM_000540.3 (MANE Select); coding-DNA position 3348, T replaced by C.
Protein change: p.Ala1116=; no amino-acid change (alanine 1116 retained).
Molecular consequence: synonymous variant.
Genome position (GRCh38, 1-based): chr19:38,467,779, T>C. VCF-style: chr19-38467779-T-C. GRCh37 (hg19) VCF-style: chr19-38958419-T-C.
Other names: c.3348T>C, p.Ala1116= (NM_001042723.2).
Identifiers: ClinVar variation 1085504 (VCV001085504.10), dbSNP rs764397758, ClinGen allele CA064692.